The following is an entry in ClinVar:

NM_000170.3(GLDC):c.635+1G>T

Gene: GLDC (glycine decarboxylase; minus strand). Cytogenetic location: 9p24.1.
Variant type: single nucleotide variant.
Coding change: c.635+1G>T on transcript NM_000170.3 (MANE Select); the canonical splice donor site of the intron after coding-DNA position 635, G replaced by T.
Molecular consequence: splice donor variant.
Genome position (GRCh38, 1-based): chr9:6,610,191, C>A on the plus strand (G>T on the coding strand, the complement: GLDC is on the minus strand). VCF-style: chr9-6610191-C-A. GRCh37 (hg19) VCF-style: chr9-6610191-C-A.
Identifiers: ClinVar variation 2034194 (VCV002034194.4), dbSNP rs1368757896, ClinGen allele CA372898092.

ClinVar aggregate classification (germline): Likely pathogenic (1 of 4 stars; one submission).

Conditions:
Glycine encephalopathy. Also called: Nonketotic hyperglycinemia; Non-ketotic hyperglycinemia. Identifiers: Orphanet 407, MedGen C0751748, MONDO:0011612, HP:0008288.

gnomAD v4.1: 2 of 1,608,774 alleles (0.00012%); highest among the groups gnomAD compares: Non-Finnish European, 0.000085%; no homozygotes.

Submission:

Labcorp Genetics (formerly Invitae), Labcorp
Classification: Likely pathogenic for Glycine encephalopathy. Last evaluated: 2022-12-05. Review status: criteria provided, single submitter. Criteria: Invitae Variant Classification Sherloc (09022015). Collection method: clinical testing. Allele origin: germline.
Comment: This variant has not been reported in the literature in individuals affected with GLDC-related conditions. This variant is not present in population databases (gnomAD no frequency). This sequence change affects a donor splice site in intron 4 of the GLDC gene. It is expected to disrupt RNA splicing. Variants that disrupt the donor or acceptor splice site typically lead to a loss of protein function (PMID: 16199547), and loss-of-function variants in GLDC are known to be pathogenic (PMID: 16601880). In summary, the currently available evidence indicates that the variant is pathogenic, but additional data are needed to prove that conclusively. Therefore, this variant has been classified as Likely Pathogenic. Algorithms developed to predict the effect of sequence changes on RNA splicing suggest that this variant may disrupt the consensus splice site.

Literature cited by the submitters: PubMed 16199547; PubMed 16601880.